The following is an entry in ClinVar:

ClinVar aggregate classification (germline): Uncertain significance. Review status: criteria provided, multiple submitters, no conflicts (2 of 4 stars). 2 submissions from 2 submitters: Uncertain significance (2). Last evaluated 2024-01-01.

Conditions:
Microcephaly 5, primary, autosomal recessive (MCPH5). Also called: ASPM Primary Microcephaly. Identifiers: Orphanet 2512, MedGen C1837501, MONDO:0012106, OMIM 608716.
Inborn genetic diseases. Identifiers: MedGen C0950123, MeSH D030342.

Allele frequency attached by ClinVar (database versions not stated): ExAC 0.00001; gnomAD 0.00001; gnomAD exomes 0.00001; ESP Exome Variant Server 0.00008.

Submissions (2):

Daryl Scott Lab, Baylor College of Medicine
Classification: Uncertain significance for Microcephaly 5, primary, autosomal recessive. Last evaluated: 2024-01-01. Review status: criteria provided, single submitter. Criteria: ACMG Guidelines, 2015. Collection method: clinical testing. Allele origin: unknown. Observed: 1 heterozygote.
Comment: PM2

Ambry Genetics
Classification: Uncertain significance for Inborn genetic diseases. Last evaluated: 2022-12-19. Review status: criteria provided, single submitter. Criteria: Ambry Variant Classification Scheme 2023. Collection method: clinical testing. Allele origin: germline.

NM_018136.5(ASPM):c.10284C>G (p.Ser3428Arg)

Gene: ASPM (assembly factor for spindle microtubules; minus strand). Cytogenetic location: 1q31.3.
Variant type: single nucleotide variant.
Coding change: c.10284C>G on transcript NM_018136.5 (MANE Select); coding-DNA position 10284, C replaced by G.
Protein change: p.Ser3428Arg; replaces serine 3428 with arginine.
Molecular consequence: missense variant.
Genome position (GRCh38, 1-based): chr1:197,086,850, G>C on the plus strand (C>G on the coding strand, the complement: ASPM is on the minus strand). VCF-style: chr1-197086850-G-C. GRCh37 (hg19) VCF-style: chr1-197055980-G-C.
Other names: c.5529C>G, p.Ser1843Arg (NM_001206846.2); short protein forms S1843R, S3428R.
Identifiers: ClinVar variation 2404473 (VCV002404473.3), dbSNP rs370856504, ClinGen allele CA1308750.